The following is an entry in ClinVar:

NM_001267550.2(TTN):c.61825C>T (p.Arg20609Cys)

Genes: TTN-AS1 (TTN antisense RNA 1; plus strand), TTN (titin; minus strand). Cytogenetic location: 2q31.2.
Variant type: single nucleotide variant.
Coding change: c.61825C>T on transcript NM_001267550.2 (MANE Select); coding-DNA position 61825, C replaced by T.
Protein change: p.Arg20609Cys; replaces arginine 20609 with cysteine.
Molecular consequence: missense variant.
Genome position (GRCh38, 1-based): chr2:178,589,900, G>A on the plus strand (C>T on the coding strand, the complement: TTN is on the minus strand). VCF-style: chr2-178589900-G-A. GRCh37 (hg19) VCF-style: chr2-179454627-G-A.
Other names: c.61825C>T (LRG_391t1); c.56902C>T, p.Arg18968Cys (NM_001256850.1); c.34630C>T, p.Arg11544Cys (NM_003319.4); c.54121C>T, p.Arg18041Cys (NM_133378.4); c.35005C>T, p.Arg11669Cys (NM_133432.3); c.35206C>T, p.Arg11736Cys (NM_133437.4); short protein forms R18041C, R20609C, R11669C, R18968C, R11544C, R11736C.
Identifiers: ClinVar variation 191929 (VCV000191929.9), dbSNP rs786205389, ClinGen allele CA237897.

ClinVar aggregate classification (germline): Conflicting classifications of pathogenicity. Review status: criteria provided, conflicting classifications (1 of 4 stars). 7 submissions from 7 submitters: Uncertain significance (5); Likely benign (2). Last evaluated 2024-12-19.

Conditions:
Cardiovascular phenotype. Identifiers: MedGen CN230736.
Dilated cardiomyopathy 1G (CMD1G). Identifiers: Orphanet 154, MedGen C1858763, MONDO:0011400, OMIM 604145.

Allele frequency attached by ClinVar (database versions not stated): gnomAD exomes below 0.00001 and 0.00004; gnomAD 0.00002; TOPMed 0.00002.
gnomAD v4.1: 67 of 1,613,204 alleles (0.0042%); highest among the groups gnomAD compares: Non-Finnish European, 0.0051%; no homozygotes.

Submissions (7):

Genomic Medicine Center of Excellence, King Faisal Specialist Hospital and Research Centre
Classification: Uncertain significance for Dilated cardiomyopathy 1G. Last evaluated: 2024-12-19. Review status: criteria provided, single submitter. Criteria: ACMG Guidelines, 2015. Collection method: clinical testing. Allele origin: germline.

Blueprint Genetics
Classification: Likely benign. Last evaluated: 2024-11-06. Review status: criteria provided, single submitter. Criteria: ACMG Guidelines, 2015. Collection method: clinical testing. Allele origin: germline.

Revvity Omics, Revvity
Classification: Uncertain significance. Last evaluated: 2024-02-28. Review status: criteria provided, single submitter. Criteria: ACMG Guidelines, 2015. Collection method: clinical testing. Allele origin: germline.

Ambry Genetics
Classification: Uncertain significance for Cardiovascular phenotype. Last evaluated: 2020-08-28. Review status: criteria provided, single submitter. Criteria: Ambry Variant Classification Scheme 2023. Collection method: clinical testing. Allele origin: germline.
Comment: The p.R11544C variant (also known as c.34630C>T), located in coding exon 131 of the TTN gene, results from a C to T substitution at nucleotide position 34630. The arginine at codon 11544 is replaced by cysteine, an amino acid with highly dissimilar properties. This variant (referred to asp.R18041C, c.54120C>T) has been reported as a secondary cardiac variant in an exome cohort (Ng D et al. Circ Cardiovasc Genet, 2013 Aug;6:337-46). This amino acid position is highly conserved in available vertebrate species. In addition, the in silico prediction for this alteration is inconclusive. Since supporting evidence is limited at this time, the clinical significance of this alteration remains unclear.

GeneDx
Classification: Likely benign. Last evaluated: 2018-05-18. Review status: criteria provided, single submitter. Criteria: GeneDx Variant Classification (06012015). Collection method: clinical testing. Allele origin: germline. Affected: yes.
Comment: This variant is considered likely benign or benign based on one or more of the following criteria: it is a conservative change, it occurs at a poorly conserved position in the protein, it is predicted to be benign by multiple in silico algorithms, and/or has population frequency not consistent with disease.

Athena Diagnostics
Classification: Uncertain significance. Last evaluated: 2018-03-19. Review status: criteria provided, single submitter. Criteria: Athena Diagnostics Criteria. Collection method: clinical testing. Allele origin: germline.

Biesecker Lab/Clinical Genomics Section, National Institutes of Health
Classification: Uncertain significance. Last evaluated: 2013-06-24. Review status: criteria provided, single submitter. Criteria: Ng et al. (Circ Cardiovasc Genet. 2013). Collection method: research. Allele origin: unknown. Observed: 1 variant allele. Study: ClinSeq.
Comment: The study set was not selected for affection status in relation to any cancer. Pathogenicity categories were based on literature curation. See Pubmed ID:23861362 for details.

Medical sequencing

Literature cited by the submitters: PubMed 23861362 (cited by Ambry Genetics and Athena Diagnostics).